The following is an entry in ClinVar:

t(12;19)(q24.21;q12)

Gene: MED13L (mediator complex subunit 13L; minus strand). Cytogenetic location: 19q12.
Variant type: Translocation.
Identifiers: ClinVar variation 218934 (VCV000218934.3).

ClinVar aggregate classification (germline): Pathogenic (1 of 4 stars; one submission).

Conditions:
Smooth philtrum. Also called: Flat philtrum. Identifiers: MedGen C1142533, HP:0000319.
Equinovarus deformity. Identifiers: MedGen C4551566, HP:0008110.
Hirsutism. Identifiers: MedGen C0019572, HP:0001007.
Metatarsus adductus. Identifiers: MedGen C4082169, HP:0001840.
Scoliosis. Identifiers: MedGen C0036439, MONDO:0005392, HP:0002650.
Hypertelorism. Identifiers: MedGen C0020534, OMIM 145400, HP:0000316.
Isolated Pierre-Robin syndrome. Also called: Pierre-Robin sequence; pierre robin association; GLOSSOPTOSIS, MICROGNATHIA, AND CLEFT PALATE; Robin sequence; Pierre Robin Syndrome. Identifiers: Orphanet 718, MedGen C0031900, MONDO:0009869, OMIM 261800, HP:0000201.
Camptodactyly. Identifiers: MedGen C0685409, HP:0012385.
Developmental delay. Also called: Delayed development. Identifiers: MedGen C0424605.
Strabismus. Identifiers: MedGen C0038379, MONDO:0003432, HP:0000486.
Mild intellectual disability. Identifiers: MedGen C0026106, HP:0001256.
Bulbous nose. Identifiers: MedGen C0240543, HP:0000414.
Flat occiput. Identifiers: MedGen C1837402, HP:0005469.
Wide nasal bridge. Identifiers: MedGen C1849367, HP:0000431.

Submission:

Agency for Science, Technology and Research, Genome Institute of Singapore
Classification: Pathogenic for Mild intellectual disability; Isolated Pierre-Robin syndrome; Camptodactyly; Equinovarus deformity; Metatarsus adductus; Flat occiput; Hypertelorism; Developmental delay; Smooth philtrum; Bulbous nose; Wide nasal bridge; Strabismus; Hirsutism; Scoliosis. Review status: criteria provided, single submitter. Criteria: Submitter's publication. Collection method: research. Allele origin: de novo, not applicable. Inheritance: Sporadic. Affected: yes. Observed: 1 variant allele.
Comment: Patients carrying mutations, copy number loss or gain, or balanced rearrangements within this gene displayed overlapping clinical phenotypes.

Literature cited by the submitters: PubMed 24781760; PubMed 23403903; PubMed 14638541.